The following is an entry in ClinVar:

ClinVar aggregate classification (germline): Uncertain significance. Review status: criteria provided, multiple submitters, no conflicts (2 of 4 stars). 2 submissions from 2 submitters: Uncertain significance (2). Last evaluated 2025-01-02.

Conditions:
Inborn genetic diseases. Identifiers: MedGen C0950123, MeSH D030342.
Fanconi anemia (FA). Also called: Fanconi's anemia. Identifiers: Orphanet 84, MedGen C0015625, MeSH D005199, MONDO:0019391.

Allele frequency attached by ClinVar (database versions not stated): TOPMed below 0.00001; gnomAD 0.00001; gnomAD exomes 0.00001.
gnomAD v4.1: 79 of 1,524,802 alleles (0.0052%); highest among the groups gnomAD compares: Non-Finnish European, 0.0067%; no homozygotes.

Submissions (2):

Ambry Genetics
Classification: Uncertain significance for Inborn genetic diseases. Last evaluated: 2025-01-02. Review status: criteria provided, single submitter. Criteria: Ambry Variant Classification Scheme 2023. Collection method: clinical testing. Allele origin: germline.
Comment: The p.D3A variant (also known as c.8A>C), located in coding exon 1 of the FANCA gene, results from an A to C substitution at nucleotide position 8. The aspartic acid at codon 3 is replaced by alanine, an amino acid with dissimilar properties. This amino acid position is conserved. In addition, this alteration is predicted to be tolerated by in silico analysis. Based on the available evidence, the clinical significance of this variant remains unclear.

Labcorp Genetics (formerly Invitae), Labcorp
Classification: Uncertain significance for Fanconi anemia. Last evaluated: 2021-09-01. Review status: criteria provided, single submitter. Criteria: Invitae Variant Classification Sherloc (09022015). Collection method: clinical testing. Allele origin: germline.
Comment: This sequence change replaces aspartic acid with alanine at codon 3 of the FANCA protein (p.Asp3Ala). The aspartic acid residue is weakly conserved and there is a moderate physicochemical difference between aspartic acid and alanine. The frequency data for this variant in the population databases is considered unreliable, as metrics indicate insufficient coverage at this position in the ExAC database. This variant has not been reported in the literature in individuals affected with FANCA-related conditions. Algorithms developed to predict the effect of missense changes on protein structure and function output the following: SIFT: "Tolerated"; PolyPhen-2: "Possibly Damaging"; Align-GVGD: "Class C0". The alanine amino acid residue is found in multiple mammalian species, which suggests that this missense change does not adversely affect protein function. In summary, the available evidence is currently insufficient to determine the role of this variant in disease. Therefore, it has been classified as a Variant of Uncertain Significance.

NM_000135.4(FANCA):c.8A>C (p.Asp3Ala)

Genes: FANCA (FA complementation group A; minus strand), LOC112486223 (Sharpr-MPRA regulatory region 3988; plus strand). Cytogenetic location: 16q24.3.
Variant type: single nucleotide variant.
Coding change: c.8A>C on transcript NM_000135.4 (MANE Select); coding-DNA position 8, A replaced by C.
Protein change: p.Asp3Ala; replaces aspartic acid 3 with alanine.
Molecular consequence: missense variant.
Genome position (GRCh38, 1-based): chr16:89,816,608, T>G on the plus strand (A>C on the coding strand, the complement: FANCA is on the minus strand). VCF-style: chr16-89816608-T-G. GRCh37 (hg19) VCF-style: chr16-89883016-T-G.
Other names: c.8A>C, p.Asp3Ala (NM_001018112.3, NM_001286167.3, NM_001351830.2); c.8A>C (NM_000135.2); short protein forms D3A.
Identifiers: ClinVar variation 1422864 (VCV001422864.7), dbSNP rs1183087111, ClinGen allele CA397484649.
Genomic context (GRCh38, chr16:89,816,608, plus strand): 5'-GCCCAGGCCCTCCGGCGGCCCCCTGGGTCCTGGCCCGAGGCGGAGTTCGGGACCCACGAG[T>G]CGGACATGGCCTTGGCGCCTACAGCCCCGGCGGCGGCTCCCTGCGCCCGAGCCCGCGCTG-3'
Protein context (NP_000126.2, residues 1-13): MS[Asp3Ala]SWVPNSASGQ